The following is an entry in ClinVar:

ClinVar aggregate classification (germline): Uncertain significance (1 of 4 stars; one submission).

Submission:

Labcorp Genetics (formerly Invitae), Labcorp
Classification: Uncertain significance. Last evaluated: 2022-09-09. Review status: criteria provided, single submitter. Criteria: Invitae Variant Classification Sherloc (09022015). Collection method: clinical testing. Allele origin: germline.
Comment: This sequence change affects an acceptor splice site in intron 14 of the POLE gene. RNA analysis indicates that disruption of this splice site induces altered splicing and likely results in a shortened protein product. This variant is not present in population databases (gnomAD no frequency). In summary, the available evidence is currently insufficient to determine the role of this variant in disease. Therefore, it has been classified as a Variant of Uncertain Significance. Studies have shown that disruption of this splice site results in skipping of exon 15, but is expected to preserve the integrity of the reading-frame (Invitae). This variant has not been reported in the literature in individuals affected with POLE-related conditions.

NM_006231.4(POLE):c.1474-1G>A

Gene: POLE (DNA polymerase epsilon, catalytic subunit; minus strand). Cytogenetic location: 12q24.33.
Variant type: single nucleotide variant.
Coding change: c.1474-1G>A on transcript NM_006231.4 (MANE Select); the canonical splice acceptor site of the intron before coding-DNA position 1474, G replaced by A.
Molecular consequence: splice acceptor variant.
Genome position (GRCh38, 1-based): chr12:132,672,840, C>T on the plus strand (G>A on the coding strand, the complement: POLE is on the minus strand). VCF-style: chr12-132672840-C-T. GRCh37 (hg19) VCF-style: chr12-133249426-C-T.
Identifiers: ClinVar variation 2029628 (VCV002029628.4), dbSNP rs1565972026, ClinGen allele CA387357846.